The following is an entry in ClinVar:

ClinVar aggregate classification (germline): Likely benign (0 of 4 stars; one submission).

Conditions:
MCHR1-related disorder. Also called: MCHR1-related condition.

Submission:

PreventionGenetics, part of Exact Sciences
Classification: Likely benign for MCHR1-related condition. Last evaluated: 2019-05-08. Review status: no assertion criteria provided. Collection method: clinical testing. Allele origin: germline.
Comment: This variant is classified as likely benign based on ACMG/AMP sequence variant interpretation guidelines (Richards et al. 2015 PMID: 25741868, with internal and published modifications).

NM_005297.4(MCHR1):c.630G>A (p.Leu210=)

Gene: MCHR1 (melanin concentrating hormone receptor 1; plus strand). Cytogenetic location: 22q13.2.
Variant type: single nucleotide variant.
Coding change: c.630G>A on transcript NM_005297.4 (MANE Select); coding-DNA position 630, G replaced by A.
Protein change: p.Leu210=; no amino-acid change (leucine 210 retained).
Molecular consequence: synonymous variant.
Genome position (GRCh38, 1-based): chr22:40,681,496, G>A. VCF-style: chr22-40681496-G-A. GRCh37 (hg19) VCF-style: chr22-41077500-G-A.
Identifiers: ClinVar variation 3352636 (VCV003352636.1).